The following is an entry in ClinVar:

NM_001292063.2(OTOG):c.3939C>T (p.Ala1313=)

Gene: OTOG (otogelin; plus strand). Cytogenetic location: 11p15.1.
Variant type: single nucleotide variant.
Coding change: c.3939C>T on transcript NM_001292063.2 (MANE Select); coding-DNA position 3939, C replaced by T.
Protein change: p.Ala1313=; no amino-acid change (alanine 1313 retained).
Molecular consequence: synonymous variant.
Genome position (GRCh38, 1-based): chr11:17,605,918, C>T. VCF-style: chr11-17605918-C-T. GRCh37 (hg19) VCF-style: chr11-17627465-C-T.
Other names: c.3975C>T, p.Ala1325= (NM_001277269.2).
Identifiers: ClinVar variation 505167 (VCV000505167.5), dbSNP rs1554974304, ClinGen allele CA473516998.

ClinVar aggregate classification (germline): Likely benign (1 of 4 stars; one submission).

Submission:

Laboratory for Molecular Medicine, Mass General Brigham Personalized Medicine
Classification: Likely benign. Last evaluated: 2016-06-28. Review status: criteria provided, single submitter. Criteria: LMM Criteria. Collection method: clinical testing. Allele origin: germline. Observed: 1 variant allele.
Comment: p.Ala1325Ala in exon 32 of OTOG: This variant is not expected to have clinical s ignificance because it does not alter an amino acid residue and is not located w ithin the splice consensus sequence.